The following is an entry in ClinVar:

NM_001927.4(DES):c.501G>T (p.Glu167Asp)

Gene: DES (desmin; plus strand). Cytogenetic location: 2q35.
Variant type: single nucleotide variant.
Coding change: c.501G>T on transcript NM_001927.4 (MANE Select); coding-DNA position 501, G replaced by T.
Protein change: p.Glu167Asp; replaces glutamic acid 167 with aspartic acid.
Molecular consequence: missense variant. On other transcripts: intron variant (1).
Genome position (GRCh38, 1-based): chr2:219,418,963, G>T. VCF-style: chr2-219418963-G-T. GRCh37 (hg19) VCF-style: chr2-220283685-G-T.
Other names: c.501G>T, p.Glu167Asp (NM_001382708.1, NM_001382709.1, NM_001382710.1 and 2 more transcripts); c.495+6G>T (NM_001382713.1); c.501G>T (NM_001927.3); short protein forms E167D.
Identifiers: ClinVar variation 1499240 (VCV001499240.9), dbSNP rs1277110592, ClinGen allele CA350686701.

ClinVar aggregate classification (germline): Uncertain significance. Review status: criteria provided, multiple submitters, no conflicts (2 of 4 stars). 2 submissions from 2 submitters: Uncertain significance (2). Last evaluated 2025-04-24.

Conditions:
Cardiovascular phenotype. Identifiers: MedGen CN230736.
Desmin-related myofibrillar myopathy (MFM1). Also called: Desminopathy; DESMIN-RELATED MYOPATHY WITH ARRHYTHMOGENIC RIGHT VENTRICULAR CARDIOMYOPATHY; Myofibrillar myopathy 1; Desmin related myopathy (former name); Desmin storage myopathy (former name); MYOFIBRILLAR MYOPATHY WITH ARRHYTHMOGENIC RIGHT VENTRICULAR CARDIOMYOPATHY. Identifiers: Orphanet 363543, Orphanet 98909, MedGen C1832370, MONDO:0011076, OMIM 601419.

Allele frequency attached by ClinVar (database versions not stated): TOPMed below 0.00001; gnomAD exomes 0.00003.

Submissions (2):

Ambry Genetics
Classification: Uncertain significance for Cardiovascular phenotype. Last evaluated: 2025-04-24. Review status: criteria provided, single submitter. Criteria: Ambry Variant Classification Scheme 2023. Collection method: clinical testing. Allele origin: germline.
Comment: The p.E167D variant (also known as c.501G>T), located in coding exon 1 of the DES gene, results from a G to T substitution at nucleotide position 501. The glutamic acid at codon 167 is replaced by aspartic acid, an amino acid with highly similar properties. This amino acid position is conserved. In addition, this alteration is predicted to be tolerated by in silico analysis. Based on the available evidence, the clinical significance of this variant remains unclear.

Labcorp Genetics (formerly Invitae), Labcorp
Classification: Uncertain significance for Desmin-related myofibrillar myopathy. Last evaluated: 2021-02-13. Review status: criteria provided, single submitter. Criteria: Invitae Variant Classification Sherloc (09022015). Collection method: clinical testing. Allele origin: germline.
Comment: In summary, the available evidence is currently insufficient to determine the role of this variant in disease. Therefore, it has been classified as a Variant of Uncertain Significance. Algorithms developed to predict the effect of missense changes on protein structure and function output the following: SIFT: "Tolerated"; PolyPhen-2: "Benign"; Align-GVGD: "Class C0". The aspartic acid amino acid residue is found in multiple mammalian species, suggesting that this missense change does not adversely affect protein function. These predictions have not been confirmed by published functional studies and their clinical significance is uncertain. This variant has not been reported in the literature in individuals with DES-related conditions. The frequency data for this variant in the population databases is considered unreliable, as metrics indicate insufficient coverage at this position in the ExAC database. This sequence change replaces glutamic acid with aspartic acid at codon 167 of the DES protein (p.Glu167Asp). The glutamic acid residue is moderately conserved and there is a small physicochemical difference between glutamic acid and aspartic acid.